The following is an entry in ClinVar:

NM_178857.6(RP1L1):c.3287G>A (p.Arg1096Gln)

Gene: RP1L1 (RP1 like 1). Cytogenetic location: 8p23.1.
Variant type: single nucleotide variant.
Coding change: c.3287G>A on transcript NM_178857.6 (MANE Select); coding-DNA position 3287, G replaced by A.
Protein change: p.Arg1096Gln; replaces arginine 1096 with glutamine.
Molecular consequence: missense variant.
Genome position (GRCh38, 1-based): chr8:10,610,811, C>T on the plus strand (G>A on the coding strand, the complement: RP1L1 is on the minus strand). VCF-style: chr8-10610811-C-T. GRCh37 (hg19) VCF-style: chr8-10468321-C-T.
Other names: c.3287G>A (NM_178857.5); short protein forms R1096Q.
Identifiers: ClinVar variation 3028007 (VCV003028007.3), dbSNP rs760076052, ClinGen allele CA4624534.
Genomic context (GRCh38, chr8:10,610,811, plus strand): 5'-CCGGCTGAGCAGCTGAGCCTCCTGGCCATGGGCCTAGACACTTCGGGCACGCTGCTGGGC[C>T]GGCCCTGCTTGGAGCCCATCAGCGCCCTCATGATCTGCGTGGAGGCAGACACCCGGCCAG-3'
Protein context (NP_849188.4, residues 1086-1106): MRALMGSKQG[Arg1096Gln]PSSVPEVSRP

ClinVar aggregate classification (germline): Uncertain significance. Review status: criteria provided, multiple submitters, no conflicts (2 of 4 stars). 3 submissions from 3 submitters: Uncertain significance (3). Last evaluated 2025-09-14.

Conditions:
Retinal dystrophy. Also called: Inherited retinal dystrophy. Identifiers: Orphanet 71862, MedGen C0854723, MeSH D058499, MONDO:0019118, HP:0000556.
RP1L1-related disorder. Also called: RP1L1-related condition.

Allele frequency attached by ClinVar (database versions not stated): ExAC 0.00004; TOPMed 0.00005; gnomAD 0.00006; gnomAD exomes 0.00010.
gnomAD v4.1: 154 of 1,609,006 alleles (0.0096%); highest among the groups gnomAD compares: South Asian, 0.03%; no homozygotes.

Submissions (3):

PreventionGenetics, part of Exact Sciences
Classification: Uncertain significance for RP1L1-related condition. Last evaluated: 2025-09-14. Review status: criteria provided, single submitter. Criteria: ACMG Guidelines, 2015. Collection method: clinical testing. Allele origin: germline.
Comment: The RP1L1 c.3287G>A variant is predicted to result in the amino acid substitution p.Arg1096Gln. To our knowledge, this variant has not been reported in the literature. This variant is reported in 0.023% of alleles in individuals of South Asian descent in gnomAD. At this time, the clinical significance of this variant is uncertain due to the absence of conclusive functional and genetic evidence.

Dept Of Ophthalmology, Nagoya University
Classification: Uncertain significance for Retinal dystrophy. Last evaluated: 2023-10-01. Review status: criteria provided, single submitter. Criteria: Submitter's publication. Collection method: research. Allele origin: germline. Affected: yes.

Blueprint Genetics
Classification: Uncertain significance. Last evaluated: 2023-08-03. Review status: criteria provided, single submitter. Criteria: ACMG Guidelines, 2015. Collection method: clinical testing. Allele origin: germline.